The following is an entry in ClinVar:

ClinVar aggregate classification (germline): Uncertain significance (1 of 4 stars; one submission).

Submission:

CeGaT Center for Human Genetics Tuebingen
Classification: Uncertain significance. Last evaluated: 2025-08-01. Review status: criteria provided, single submitter. Criteria: CeGaT Center For Human Genetics Tuebingen Variant Classification Criteria Version 2. Collection method: clinical testing. Allele origin: germline. Affected: yes. Observed: 1 variant allele.
Comment: PROX1: PM2, PP2

NM_001270616.2(PROX1):c.2179T>A (p.Ser727Thr)

Gene: PROX1 (prospero homeobox 1; plus strand). Cytogenetic location: 1q32.3.
Variant type: single nucleotide variant.
Coding change: c.2179T>A on transcript NM_001270616.2 (MANE Select); coding-DNA position 2179, T replaced by A.
Protein change: p.Ser727Thr; replaces serine 727 with threonine.
Molecular consequence: missense variant.
Genome position (GRCh38, 1-based): chr1:214,035,799, T>A. VCF-style: chr1-214035799-T-A. GRCh37 (hg19) VCF-style: chr1-214209142-T-A.
Other names: c.2179T>A, p.Ser727Thr (NM_002763.5); short protein forms S727T.
Identifiers: ClinVar variation 4281337 (VCV004281337.7).
Genomic context (GRCh38, chr1:214,035,799, plus strand): 5'-AAGAAGGCCATATACAAGGTCATCTGCAAGCTGGATAGTGAAGTCCCTGAGATTTTCAAA[T>A]CCCCGAACTGCCTACAAGAGCTGCTTCATGAGTAGAAATTTCAACAACTCTTTTTGAATG-3'
Protein context (NP_001257545.1, residues 717-737): LDSEVPEIFK[Ser727Thr]PNCLQELLHE